The following is an entry in ClinVar:

NM_000174.5(GP9):c.499G>A (p.Gly167Ser)

Gene: GP9 (glycoprotein IX platelet; plus strand). Cytogenetic location: 3q21.3.
Variant type: single nucleotide variant.
Coding change: c.499G>A on transcript NM_000174.5 (MANE Select); coding-DNA position 499, G replaced by A.
Protein change: p.Gly167Ser; replaces glycine 167 with serine.
Molecular consequence: missense variant.
Genome position (GRCh38, 1-based): chr3:129,062,238, G>A. VCF-style: chr3-129062238-G-A. GRCh37 (hg19) VCF-style: chr3-128781081-G-A.
Other names: short protein forms G167S.
Identifiers: ClinVar variation 3521398 (VCV003521398.2).

ClinVar aggregate classification (germline): Uncertain significance. Review status: criteria provided, multiple submitters, no conflicts (2 of 4 stars). 2 submissions from 2 submitters: Uncertain significance (2). Last evaluated 2026-05-28.

Conditions:
Inborn genetic diseases. Identifiers: MedGen C0950123, MeSH D030342.

gnomAD v4.1: 1 of 1,559,192 alleles (0.000064%); highest among the groups gnomAD compares: East Asian, 0.0024%; no homozygotes.

Submissions (2):

Women's Health and Genetics/Laboratory Corporation of America, LabCorp
Classification: Uncertain significance. Last evaluated: 2026-05-28. Review status: criteria provided, single submitter. Criteria: LabCorp Variant Classification Summary - May 2015. Collection method: clinical testing. Allele origin: germline.
Comment: Variant summary: GP9 c.499G>A (p.Gly167Ser) results in a non-conservative amino acid change in the encoded protein sequence. Algorithms developed to predict the effect of missense changes on protein structure and function are either unavailable or do not agree on the potential impact of this missense change. The variant allele was found at a frequency of 6.5e-06 in 152836 control chromosomes. The available data on variant occurrences in the general population are insufficient to allow any conclusion about variant significance. To our knowledge, no occurrence of c.499G>A in individuals affected with GP9-related conditions and no experimental evidence demonstrating its impact on protein function have been reported. ClinVar contains an entry for this variant (Variation ID: 3521398). Based on the evidence outlined above, the variant was classified as uncertain significance.

Ambry Genetics
Classification: Uncertain significance for Inborn genetic diseases. Last evaluated: 2024-11-15. Review status: criteria provided, single submitter. Criteria: Ambry Variant Classification Scheme 2023. Collection method: clinical testing. Allele origin: germline.